The following is an entry in ClinVar:

ClinVar aggregate classification (germline): Uncertain significance. Review status: criteria provided, multiple submitters, no conflicts (2 of 4 stars). 2 submissions from 2 submitters: Uncertain significance (2). Last evaluated 2024-01-29.

Allele frequency attached by ClinVar (database versions not stated): TOPMed below 0.00001.

Submissions (2):

Labcorp Genetics (formerly Invitae), Labcorp
Classification: Uncertain significance. Last evaluated: 2024-01-29. Review status: criteria provided, single submitter. Criteria: Invitae Variant Classification Sherloc (09022015). Collection method: clinical testing. Allele origin: germline.
Comment: This sequence change falls in intron 7 of the CDHR1 gene. It does not directly change the encoded amino acid sequence of the CDHR1 protein. It affects a nucleotide within the consensus splice site. This variant is not present in population databases (gnomAD no frequency). This variant has not been reported in the literature in individuals affected with CDHR1-related conditions. Variants that disrupt the consensus splice site are a relatively common cause of aberrant splicing (PMID: 17576681, 9536098). Algorithms developed to predict the effect of sequence changes on RNA splicing suggest that this variant is not likely to affect RNA splicing. In summary, the available evidence is currently insufficient to determine the role of this variant in disease. Therefore, it has been classified as a Variant of Uncertain Significance.

Blueprint Genetics
Classification: Uncertain significance. Last evaluated: 2017-06-05. Review status: criteria provided, single submitter. Criteria: ACMG Guidelines, 2015. Collection method: clinical testing. Allele origin: germline.

Literature cited by the submitters: PubMed 17576681 (cited by Labcorp Genetics (formerly Invitae), Labcorp); PubMed 9536098 (cited by Labcorp Genetics (formerly Invitae), Labcorp).

NM_033100.4(CDHR1):c.639+3A>G

Gene: CDHR1 (cadherin related family member 1; plus strand). Cytogenetic location: 10q23.1.
Variant type: single nucleotide variant.
Coding change: c.639+3A>G on transcript NM_033100.4 (MANE Select); 3 bases into the intron after coding-DNA position 639, A replaced by G.
Molecular consequence: intron variant.
Genome position (GRCh38, 1-based): chr10:84,201,923, A>G. VCF-style: chr10-84201923-A-G. GRCh37 (hg19) VCF-style: chr10-85961679-A-G.
Other names: c.639+3A>G (NM_001171971.3).
Identifiers: ClinVar variation 2782332 (VCV002782332.4), dbSNP rs760249323, ClinGen allele CA669261951.
Genomic context (GRCh38, chr10:84,201,923, plus strand): 5'-TGGGGCCACTCTGGACTACGAGAGGTCCCGGACCCACTACATCACCGTGGTCGCCAAGGT[A>G]ACACAGCAGGACAGGGGAGCATCCAGTGTCTCCTCAGCCCTTGGGTTGGAACCAAGTTAG-3'